The following is an entry in ClinVar:

ClinVar aggregate classification (germline): Likely pathogenic. Review status: criteria provided, single submitter (1 of 4 stars). 2 submissions from 2 submitters: Likely pathogenic (1). 1 of the submissions does not count toward it. Last evaluated 2023-09-22.

Conditions:
Autosomal dominant Robinow syndrome 1. Also called: ROBINOW DWARFISM; WNT5A-Related Robinow Syndrome, Autosomal Dominant; ACRAL DYSOSTOSIS WITH FACIAL AND GENITAL ABNORMALITIES; FETAL FACE SYNDROME; Covesdem syndrome (formerly); Costovertebral segmentation defect with mesomelia (formerly). Identifiers: Orphanet 3107, Orphanet 97360, MedGen C4551475, MONDO:0024455, OMIM 180700.

Submissions (2):

GeneDx
Classification: Likely pathogenic. Last evaluated: 2023-09-22. Review status: criteria provided, single submitter. Criteria: GeneDx Variant Classification Process June 2021. Collection method: clinical testing. Allele origin: germline.
Comment: Not observed in large population cohorts (gnomAD); In silico analysis supports that this missense variant has a deleterious effect on protein structure/function; This variant is associated with the following publications: (PMID: 35047859)

Lupski Lab, Baylor-Hopkins CMG, Baylor College of Medicine
Classification: Likely pathogenic for Autosomal dominant Robinow syndrome 1. Last evaluated: 2015-02-09. Review status: no assertion criteria provided. Collection method: research. Allele origin: unknown. Affected: yes. Observed: 1 variant allele. Not counted in ClinVar's aggregate classification.

NM_003392.7(WNT5A):c.248G>A (p.Cys83Tyr)

Gene: WNT5A (Wnt family member 5A; minus strand). Cytogenetic location: 3p14.3.
Variant type: single nucleotide variant.
Coding change: c.248G>A on transcript NM_003392.7 (MANE Select); coding-DNA position 248, G replaced by A.
Protein change: p.Cys83Tyr; replaces cysteine 83 with tyrosine.
Molecular consequence: missense variant.
Genome position (GRCh38, 1-based): chr3:55,479,457, C>T on the plus strand (G>A on the coding strand, the complement: WNT5A is on the minus strand). VCF-style: chr3-55479457-C-T. GRCh37 (hg19) VCF-style: chr3-55513485-C-T.
Other names: c.203G>A, p.Cys68Tyr (NM_001256105.1, NM_001377271.1, NM_001377272.1); short protein forms C68Y, C83Y.
Identifiers: ClinVar variation 981471 (VCV000981471.3), dbSNP rs786200925, ClinGen allele CA353267394.